The following is an entry in ClinVar:

ClinVar aggregate classification (germline): Uncertain significance. Review status: criteria provided, multiple submitters, no conflicts (2 of 4 stars). 2 submissions from 2 submitters: Uncertain significance (2). Last evaluated 2024-04-29.

Conditions:
Autosomal recessive ataxia, Beauce type. Also called: Spinocerebellar ataxia, autosomal recessive 8; ATAXIA, RECESSIVE, OF BEAUCE; SYNE1 Deficiency; SYNE1-Related Autosomal Recessive Cerebellar Ataxia. Identifiers: Orphanet 88644, MedGen C1853116, MONDO:0012549, OMIM 610743.
Emery-Dreifuss muscular dystrophy 4, autosomal dominant (EDMD4). Also called: EMERY-DREIFUSS MUSCULAR DYSTROPHY 4 WITH VARIABLE FEATURES. Identifiers: Orphanet 261, MedGen C2751807, MONDO:0013071, OMIM 612998.

Allele frequency attached by ClinVar (database versions not stated): gnomAD 0.00001; TOPMed 0.00001; ExAC 0.00002; gnomAD exomes 0.00002.
gnomAD v4.1: 27 of 1,613,864 alleles (0.0017%); highest among the groups gnomAD compares: South Asian, 0.0088%; no homozygotes.

Submissions (2):

Labcorp Genetics (formerly Invitae), Labcorp
Classification: Uncertain significance for Emery-Dreifuss muscular dystrophy 4, autosomal dominant; Autosomal recessive ataxia, Beauce type. Last evaluated: 2024-04-29. Review status: criteria provided, single submitter. Criteria: Invitae Variant Classification Sherloc (09022015). Collection method: clinical testing. Allele origin: germline.
Comment: This sequence change replaces arginine, which is basic and polar, with tryptophan, which is neutral and slightly polar, at codon 2670 of the SYNE1 protein (p.Arg2670Trp). This variant is present in population databases (rs770461993, gnomAD 0.01%). This variant has not been reported in the literature in individuals affected with SYNE1-related conditions. ClinVar contains an entry for this variant (Variation ID: 290598). An algorithm developed to predict the effect of missense changes on protein structure and function (PolyPhen-2) suggests that this variant is likely to be disruptive. In summary, the available evidence is currently insufficient to determine the role of this variant in disease. Therefore, it has been classified as a Variant of Uncertain Significance.

Eurofins Ntd Llc (ga)
Classification: Uncertain significance. Last evaluated: 2016-09-14. Review status: criteria provided, single submitter. Criteria: EGL Classification Definitions 2015. Collection method: clinical testing. Allele origin: germline. Observed: 1 variant allele, 1 heterozygote.

NM_182961.4(SYNE1):c.7987C>T (p.Arg2663Trp)

Gene: SYNE1 (spectrin repeat containing nuclear envelope protein 1; minus strand). Cytogenetic location: 6q25.2.
Variant type: single nucleotide variant.
Coding change: c.7987C>T on transcript NM_182961.4 (MANE Select); coding-DNA position 7987, C replaced by T.
Protein change: p.Arg2663Trp; replaces arginine 2663 with tryptophan.
Molecular consequence: missense variant.
Genome position (GRCh38, 1-based): chr6:152,391,294, G>A on the plus strand (C>T on the coding strand, the complement: SYNE1 is on the minus strand). VCF-style: chr6-152391294-G-A. GRCh37 (hg19) VCF-style: chr6-152712429-G-A.
Other names: c.8008C>T, p.Arg2670Trp (NM_033071.5); short protein forms R2663W, R2670W.
Identifiers: ClinVar variation 290598 (VCV000290598.13), dbSNP rs770461993, ClinGen allele CA4057661.